The following is an entry in ClinVar:

NM_000256.3(MYBPC3):c.3547T>C (p.Phe1183Leu)

Gene: MYBPC3 (myosin binding protein C3; minus strand). Cytogenetic location: 11p11.2.
Variant type: single nucleotide variant.
Coding change: c.3547T>C on transcript NM_000256.3 (MANE Select); coding-DNA position 3547, T replaced by C.
Protein change: p.Phe1183Leu; replaces phenylalanine 1183 with leucine.
Molecular consequence: missense variant.
Genome position (GRCh38, 1-based): chr11:47,332,646, A>G on the plus strand (T>C on the coding strand, the complement: MYBPC3 is on the minus strand). VCF-style: chr11-47332646-A-G. GRCh37 (hg19) VCF-style: chr11-47354197-A-G.
Other names: short protein forms F1183L.
Identifiers: ClinVar variation 188585 (VCV000188585.4), dbSNP rs786204359, ClinGen allele CA014313.

ClinVar aggregate classification (germline): Uncertain significance. Review status: criteria provided, multiple submitters, no conflicts (2 of 4 stars). 2 submissions from 2 submitters: Uncertain significance (2). Last evaluated 2023-03-29.

Conditions:
Cardiomyopathy (CMYO). Also called: Cardiomyopathies. Identifiers: Orphanet 167848, MedGen C0878544, MONDO:0004994, HP:0001638. Inheritance: Various modes of inheritance.

Submissions (2):

Blueprint Genetics
Classification: Uncertain significance. Last evaluated: 2023-03-29. Review status: criteria provided, single submitter. Criteria: ACMG Guidelines, 2015. Collection method: clinical testing. Allele origin: germline.

Color Diagnostics, LLC DBA Color Health
Classification: Uncertain significance for Cardiomyopathy. Last evaluated: 2020-01-21. Review status: criteria provided, single submitter. Criteria: ACMG Guidelines, 2015. Collection method: clinical testing. Allele origin: germline.
Comment: This missense variant replaces phenylalanine with leucine at codon 1183 of the MYBPC3 protein. Computational prediction is inconclusive regarding the impact of this variant on protein structure and function (internally defined REVEL score threshold 0.5 < inconclusive < 0.7, PMID: 27666373). Splice site prediction tools suggest that this variant may not impact RNA splicing. To our knowledge, functional studies have not been performed for this variant. This variant has been reported in the homozygous state in an individual affected with congenital heart disease, which was inherited from the unaffected heterozygous parents (PMID: 28991257). This variant has not been identified in the general population by the Genome Aggregation Database (gnomAD). The available evidence is insufficient to determine the role of this variant in disease conclusively. Therefore, this variant is classified as a Variant of Uncertain Significance.